The following is an entry in ClinVar:

NM_003403.5(YY1):c.1062+1G>T

Gene: YY1 (YY1 transcription factor; plus strand). Cytogenetic location: 14q32.2.
Variant type: single nucleotide variant.
Coding change: c.1062+1G>T on transcript NM_003403.5 (MANE Select); the canonical splice donor site of the intron after coding-DNA position 1062, G replaced by T.
Molecular consequence: splice donor variant.
Genome position (GRCh38, 1-based): chr14:100,276,649, G>T. VCF-style: chr14-100276649-G-T. GRCh37 (hg19) VCF-style: chr14-100742986-G-T.
Identifiers: ClinVar variation 4293263 (VCV004293263.1).

ClinVar aggregate classification (germline): Likely pathogenic (1 of 4 stars; one submission).

Conditions:
Gabriele de Vries syndrome. Identifiers: Orphanet 506358, MedGen C4479652, MONDO:0044738, OMIM 617557.

Submission:

3billion
Classification: Likely pathogenic for Gabriele de Vries syndrome. Last evaluated: 2024-09-13. Review status: criteria provided, single submitter. Criteria: ACMG Guidelines, 2015. Collection method: clinical testing. Allele origin: germline. Affected: yes.
Comment: The variant is not observed in the gnomAD v4.0.0 dataset. Predicted Consequence/Location: Canonical splice site: predicted to alter splicing and result in a loss or disruption of normal protein function. Multiple pathogenic variants are reported in the predicted truncated region. In silico tools predict the variant to alter splicing and produce an abnormal transcript [SpliceAI: 1.00 (spliceogenicity >=0.2, non-spliceogenicity <0.1)]. Therefore, this variant is classified as Likely pathogenic according to the recommendation of ACMG/AMP guideline.